The following is an entry in ClinVar:

NM_006231.4(POLE):c.6724T>C (p.Phe2242Leu)

Gene: POLE (DNA polymerase epsilon, catalytic subunit; minus strand). Cytogenetic location: 12q24.33.
Variant type: single nucleotide variant.
Coding change: c.6724T>C on transcript NM_006231.4 (MANE Select); coding-DNA position 6724, T replaced by C.
Protein change: p.Phe2242Leu; replaces phenylalanine 2242 with leucine.
Molecular consequence: missense variant.
Genome position (GRCh38, 1-based): chr12:132,624,928, A>G on the plus strand (T>C on the coding strand, the complement: POLE is on the minus strand). VCF-style: chr12-132624928-A-G. GRCh37 (hg19) VCF-style: chr12-133201514-A-G.
Other names: short protein forms F2242L.
Identifiers: ClinVar variation 3781603 (VCV003781603.1).

ClinVar aggregate classification (germline): Uncertain significance (1 of 4 stars; one submission).

Conditions:
Hereditary cancer-predisposing syndrome. Also called: Neoplastic Syndromes, Hereditary; Hereditary Cancer Syndrome; Tumor predisposition; Hereditary neoplastic syndrome. Identifiers: Orphanet 140162, MedGen C0027672, MeSH D009386, MONDO:0015356.

gnomAD v4.1: 1 of 1,614,076 alleles (0.000062%); highest among the groups gnomAD compares: Non-Finnish European, 0.000085%; no homozygotes.

Submission:

Ambry Genetics
Classification: Uncertain significance for Hereditary cancer-predisposing syndrome. Last evaluated: 2025-03-03. Review status: criteria provided, single submitter. Criteria: Ambry Variant Classification Scheme 2023. Collection method: clinical testing. Allele origin: germline.
Comment: The p.F2242L variant (also known as c.6724T>C), located in coding exon 48 of the POLE gene, results from a T to C substitution at nucleotide position 6724. The phenylalanine at codon 2242 is replaced by leucine, an amino acid with highly similar properties. This amino acid position is conserved. In addition, the in silico prediction for this alteration is inconclusive. Based on the available evidence, the clinical significance of this variant remains unclear.